The following is an entry in ClinVar:

NM_000243.3(MEFV):c.548C>G (p.Pro183Arg)

Gene: MEFV (MEFV innate immunity regulator, pyrin; minus strand). Cytogenetic location: 16p13.3.
Variant type: single nucleotide variant.
Coding change: c.548C>G on transcript NM_000243.3 (MANE Select); coding-DNA position 548, C replaced by G.
Protein change: p.Pro183Arg; replaces proline 183 with arginine.
Molecular consequence: missense variant. On other transcripts: intron variant (1).
Genome position (GRCh38, 1-based): chr16:3,254,520, G>C on the plus strand (C>G on the coding strand, the complement: MEFV is on the minus strand). VCF-style: chr16-3254520-G-C. GRCh37 (hg19) VCF-style: chr16-3304520-G-C.
Other names: c.277+1791C>G (NM_001198536.2); short protein forms P183R.
Identifiers: ClinVar variation 2190947 (VCV002190947.1), dbSNP rs777009752, ClinGen allele CA7860400.

ClinVar aggregate classification (germline): Uncertain significance (1 of 4 stars; one submission).

Conditions:
Familial Mediterranean fever (FMF). Also called: POLYSEROSITIS, FAMILIAL PAROXYSMAL; POLYSEROSITIS, RECURRENT; Periodic peritonitis; Benign paroxysmal peritonitis. Identifiers: Orphanet 342, MedGen C0031069, MONDO:0018088, OMIM 249100. Disease mechanism: gain of function.

gnomAD v4.1: 35 of 1,555,148 alleles (0.0023%); highest among the groups gnomAD compares: South Asian, 0.037%; no homozygotes.

Submission:

Labcorp Genetics (formerly Invitae), Labcorp
Classification: Uncertain significance for Familial Mediterranean fever. Last evaluated: 2022-01-03. Review status: criteria provided, single submitter. Criteria: Invitae Variant Classification Sherloc (09022015). Collection method: clinical testing. Allele origin: germline.
Comment: This sequence change replaces proline, which is neutral and non-polar, with arginine, which is basic and polar, at codon 183 of the MEFV protein (p.Pro183Arg). This variant is present in population databases (rs777009752, gnomAD 0.04%). This variant has not been reported in the literature in individuals affected with MEFV-related conditions. Algorithms developed to predict the effect of missense changes on protein structure and function (SIFT, PolyPhen-2, Align-GVGD) all suggest that this variant is likely to be tolerated. In summary, the available evidence is currently insufficient to determine the role of this variant in disease. Therefore, it has been classified as a Variant of Uncertain Significance.